The following is an entry in ClinVar:

NM_015047.3(EMC1):c.1109A>G (p.Asn370Ser)

Genes: EMC1 (ER membrane protein complex subunit 1; minus strand), EMC1-AS1 (EMC1 antisense RNA 1; plus strand). Cytogenetic location: 1p36.13.
Variant type: single nucleotide variant.
Coding change: c.1109A>G on transcript NM_015047.3 (MANE Select); coding-DNA position 1109, A replaced by G.
Protein change: p.Asn370Ser; replaces asparagine 370 with serine.
Molecular consequence: missense variant.
Genome position (GRCh38, 1-based): chr1:19,238,120, T>C on the plus strand (A>G on the coding strand, the complement: EMC1 is on the minus strand). VCF-style: chr1-19238120-T-C. GRCh37 (hg19) VCF-style: chr1-19564614-T-C.
Other names: c.1106A>G, p.Asn369Ser (NM_001271427.2, NM_001375821.1); c.1109A>G, p.Asn370Ser (NM_001271428.2, NM_001375820.1); c.1043A>G, p.Asn348Ser (NM_001271429.2); c.1109A>G (NM_015047.1); short protein forms N348S, N369S, N370S.
Identifiers: ClinVar variation 1003444 (VCV001003444.35), dbSNP rs144675935, ClinGen allele CA652663.
Genomic context (GRCh38, chr1:19,238,120, plus strand): 5'-GTGGTGTCCAGCAGCCGCCGACCTGTCTCCACGAGGTATAGGTTAATGGTGTAGGTCTGA[T>C]TGAAGCAAGCCAGAGAGTCCTAGGAGTACAGACAGCACGTGTCAACTACAGGTATCCCCC-3'
Protein context (NP_055862.1, residues 360-380): SSSKDSLACF[Asn370Ser]QTYTINLYLV

ClinVar aggregate classification (germline): Conflicting classifications of pathogenicity. Review status: criteria provided, conflicting classifications (1 of 4 stars). 6 submissions from 6 submitters: Uncertain significance (4); Likely benign (2). Last evaluated 2026-01-05.

Conditions:
Cerebellar atrophy, visual impairment, and psychomotor retardation;. Also called: Cerebellar atrophy, visual impairment, and psychomotor retardation. Identifiers: MedGen C4225172, MONDO:0014811, OMIM 616875.
Inborn genetic diseases. Identifiers: MedGen C0950123, MeSH D030342.

Allele frequency attached by ClinVar (database versions not stated): ESP Exome Variant Server 0.00015; ExAC 0.00018; gnomAD exomes 0.00018; gnomAD 0.00025 and 0.00026; TOPMed 0.00026.
gnomAD v4.1: 156 of 1,613,372 alleles (0.0097%); highest among the groups gnomAD compares: African/African-American, 0.031%; no homozygotes.

Submissions (8):

Labcorp Genetics (formerly Invitae), Labcorp
Classification: Uncertain significance. Last evaluated: 2026-01-05. Review status: criteria provided, single submitter. Criteria: Invitae Variant Classification Sherloc (09022015). Collection method: clinical testing. Allele origin: germline.
Comment: This sequence change replaces asparagine, which is neutral and polar, with serine, which is neutral and polar, at codon 370 of the EMC1 protein (p.Asn370Ser). This variant is present in population databases (rs144675935, gnomAD 0.04%). This variant has not been reported in the literature in individuals affected with EMC1-related conditions. ClinVar contains an entry for this variant (Variation ID: 1003444). Invitae Evidence Modeling of protein sequence and biophysical properties (such as structural, functional, and spatial information, amino acid conservation, physicochemical variation, residue mobility, and thermodynamic stability) indicates that this missense variant is not expected to disrupt EMC1 protein function with a negative predictive value of 80%. In summary, the available evidence is currently insufficient to determine the role of this variant in disease. Therefore, it has been classified as a Variant of Uncertain Significance.

Ambry Genetics
Classification: Uncertain significance for Inborn genetic diseases. Last evaluated: 2025-05-23. Review status: criteria provided, single submitter. Criteria: Ambry Variant Classification Scheme 2023. Collection method: clinical testing. Allele origin: germline.

Laboratory of Genetics, Children's Clinical University Hospital Latvia
Classification: Likely benign. Last evaluated: 2025-02-16. Review status: criteria provided, single submitter. Criteria: ACMG Guidelines, 2015. Collection method: clinical testing. Allele origin: germline. Affected: yes.

Blueprint Genetics
Classification: Likely benign. Last evaluated: 2024-07-13. Review status: criteria provided, single submitter. Criteria: ACMG Guidelines, 2015. Collection method: clinical testing. Allele origin: germline.

CeGaT Center for Human Genetics Tuebingen
Classification: Uncertain significance. Last evaluated: 2023-11-01. Review status: criteria provided, single submitter. Criteria: CeGaT Center For Human Genetics Tuebingen Variant Classification Criteria Version 2. Collection method: clinical testing. Allele origin: germline. Affected: yes. Observed: 1 variant allele.
Comment: EMC1: PM2, BP4

Baylor Genetics
Classification: Uncertain significance for Cerebellar atrophy, visual impairment, and psychomotor retardation;. Last evaluated: 2019-06-28. Review status: criteria provided, single submitter. Criteria: ACMG Guidelines, 2015. Collection method: clinical testing. Allele origin: paternal. Affected: yes.
Comment: This variant was determined to be of uncertain significance according to ACMG Guidelines, 2015 [PMID:25741868].

Dr. Peter K. Rogan Lab, Western University
No classification provided (evidence only). Condition: Lung cancer. Review status: no classification provided. Collection method: in vitro. Allele origin: not applicable. Functional consequence: retained intron. Not counted in ClinVar's aggregate classification.

Dr. Peter K. Rogan Lab, Western University
No classification provided (evidence only). Condition: Ovarian serous cystadenocarcinoma. Review status: no classification provided. Collection method: in vitro. Allele origin: not applicable. Functional consequence: retained intron. Not counted in ClinVar's aggregate classification.